The following is an entry in ClinVar:

NM_000256.3(MYBPC3):c.1696T>A (p.Cys566Ser)

Gene: MYBPC3 (myosin binding protein C3; minus strand). Cytogenetic location: 11p11.2.
Variant type: single nucleotide variant.
Coding change: c.1696T>A on transcript NM_000256.3 (MANE Select); coding-DNA position 1696, T replaced by A.
Protein change: p.Cys566Ser; replaces cysteine 566 with serine.
Molecular consequence: missense variant.
Genome position (GRCh38, 1-based): chr11:47,342,085, A>T on the plus strand (T>A on the coding strand, the complement: MYBPC3 is on the minus strand). VCF-style: chr11-47342085-A-T. GRCh37 (hg19) VCF-style: chr11-47363636-A-T.
Other names: short protein forms C566S.
Identifiers: ClinVar variation 915724 (VCV000915724.9), dbSNP rs730880695, ClinGen allele CA380324353.

ClinVar aggregate classification (germline): Uncertain significance. Review status: criteria provided, multiple submitters, no conflicts (2 of 4 stars). 4 submissions from 4 submitters: Uncertain significance (4). Last evaluated 2025-07-01.

Conditions:
MYBPC3-related disorder. Also called: MYBPC3-related condition; MYBPC3-related disease; MYBPC3-related disorders.
Cardiovascular phenotype. Identifiers: MedGen CN230736.
Cardiomyopathy (CMYO). Also called: Cardiomyopathies. Identifiers: Orphanet 167848, MedGen C0878544, MONDO:0004994, HP:0001638. Inheritance: Various modes of inheritance.
Hypertrophic cardiomyopathy. Also called: HYPERTROPHIC MYOCARDIOPATHY. Identifiers: Orphanet 217569, MedGen C0007194, MeSH D002312, MONDO:0005045, HP:0001639.

gnomAD v4.1: 1 of 1,613,800 alleles (0.000062%); highest among the groups gnomAD compares: Non-Finnish European, 0.000085%; no homozygotes.

Submissions (4):

Ambry Genetics
Classification: Uncertain significance for Cardiovascular phenotype. Last evaluated: 2025-07-01. Review status: criteria provided, single submitter. Criteria: Ambry Variant Classification Scheme 2023. Collection method: clinical testing. Allele origin: germline.
Comment: The p.C566S variant (also known as c.1696T>A), located in coding exon 18 of the MYBPC3 gene, results from a T to A substitution at nucleotide position 1696. The cysteine at codon 566 is replaced by serine, an amino acid with dissimilar properties. This variant co-occurred with an MYH7 variant in an individual with hypertrophic cardiomyopathy (HCM) and systemic amyloidosis (Ebrille E et al. Glob Cardiol Sci Pract, 2013 Dec;2013:405-8). This variant was also detected in an HCM cohort; however, details were limited (Cecconi M et al. Int J Mol Med, 2016 Oct;38:1111-24). This amino acid position is highly conserved in available vertebrate species. In addition, this alteration is predicted to be deleterious by in silico analysis. Based on the available evidence, the clinical significance of this variant remains unclear.

PreventionGenetics, part of Exact Sciences
Classification: Uncertain significance for MYBPC3-related condition. Last evaluated: 2022-12-19. Review status: criteria provided, single submitter. Criteria: ACMG Guidelines, 2015. Collection method: clinical testing. Allele origin: germline.
Comment: The MYBPC3 c.1696T>A variant is predicted to result in the amino acid substitution p.Cys566Ser. This variant has been associated with hypertrophic cardiomyopathy (Table 2, Cecconi. 2016. PubMed ID: 27600940). This variant along with a pathogenic variant in MYH7 has been reported in a patient with hypertrophic cardiomyopathy (Ebrille et al. 2013. PubMed ID: 24749114). A different missense variant affecting the same amino acid (p.Cys566Arg) was also associated with hypertrophic cardiomyopathy (HGMD database). This variant is interpreted as uncertain in ClinVar. This variant has not been reported in a large population database, indicating this variant is rare. Although we suspect that this variant could be pathogenic, at this time, the clinical significance of this variant is uncertain due to the absence of conclusive functional and genetic evidence.

Labcorp Genetics (formerly Invitae), Labcorp
Classification: Uncertain significance for Hypertrophic cardiomyopathy. Last evaluated: 2021-07-31. Review status: criteria provided, single submitter. Criteria: Invitae Variant Classification Sherloc (09022015). Collection method: clinical testing. Allele origin: germline.
Comment: In summary, the available evidence is currently insufficient to determine the role of this variant in disease. Therefore, it has been classified as a Variant of Uncertain Significance. Algorithms developed to predict the effect of missense changes on protein structure and function (SIFT, PolyPhen-2, Align-GVGD) all suggest that this variant is likely to be disruptive. ClinVar contains an entry for this variant (Variation ID: 915724). This missense change has been observed in individual(s) with hypertrophic cardiomyopathy (PMID: 27600940). This variant is not present in population databases (ExAC no frequency). This sequence change replaces cysteine with serine at codon 566 of the MYBPC3 protein (p.Cys566Ser). The cysteine residue is highly conserved and there is a moderate physicochemical difference between cysteine and serine.

CHEO Genetics Diagnostic Laboratory, Children's Hospital of Eastern Ontario
Classification: Uncertain significance for Cardiomyopathy. Last evaluated: 2018-06-27. Review status: criteria provided, single submitter. Criteria: ACMG Guidelines, 2015. Collection method: clinical testing. Allele origin: germline.

Literature cited by the submitters: PubMed 24749114 (cited by Ambry Genetics); PubMed 27600940 (cited by Ambry Genetics and Labcorp Genetics (formerly Invitae), Labcorp).